The following is an entry in ClinVar:

NM_014363.6(SACS):c.4877_4880del (p.Gly1626fs)

Gene: SACS (sacsin molecular chaperone; minus strand). Cytogenetic location: 13q12.12.
Variant type: Deletion.
Coding change: c.4877_4880del on transcript NM_014363.6 (MANE Select); coding-DNA positions 4877 to 4880, 4 bases deleted (GCTG; older notation c.4877_4880delGCTG).
Protein change: p.Gly1626fs; shifts the reading frame from glycine 1626.
Molecular consequence: frameshift variant.
Genome position (GRCh38, 1-based): chr13:23,338,996-23,338,999, CAGC deleted on the plus strand (GCTG on the coding strand, the reverse complement: SACS is on the minus strand); deleting any 4 consecutive bases within chr13:23,338,996-23,339,001 gives the same sequence; the c. name uses the placement nearest the transcript's 3' end. VCF-style (leftmost placement, unchanged base first): chr13-23338995-ACAGC-A. GRCh37 (hg19) VCF-style: chr13-23913134-ACAGC-A.
Other names: c.4877_4880del (NM_014363.5); c.4436_4439del, p.Gly1479fs (NM_001278055.2); short protein forms G1479fs, G1626fs.
Identifiers: ClinVar variation 280236 (VCV000280236.6), dbSNP rs757872635, ClinGen allele CA6911333.

ClinVar aggregate classification (germline): Pathogenic/Likely pathogenic. Review status: criteria provided, multiple submitters, no conflicts (2 of 4 stars). 3 submissions from 3 submitters: Pathogenic (1); Likely pathogenic (1). 1 of the submissions does not count toward it. Last evaluated 2025-02-19.

Conditions:
Charlevoix-Saguenay spastic ataxia (SACS). Also called: SPASTIC ATAXIA 6, AUTOSOMAL RECESSIVE; AUTOSOMAL RECESSIVE SPASTIC ATAXIA OF CHARLEVOIX-SAGUENAY; Spastic ataxia of Charlevoix-Saguenay. Identifiers: Orphanet 98, MedGen C1849140, MONDO:0010041, OMIM 270550.

Submissions (3):

Natera, Inc.
Classification: Likely pathogenic for Charlevoix-Saguenay type spastic ataxia. Last evaluated: 2025-02-19. Review status: criteria provided, single submitter. Criteria: Natera Variant Classification Schema (03/2026). Collection method: clinical testing. Allele origin: germline.
Comment: The c.4877_4880del variant in SACS is a frameshift variant predicted to shift the reading frame beginning at codon 1626 and leads to a stop codon 5 codons downstream. This variant is expected to result in nonsense mediated decay, truncation, or a dysfunctional protein product. This variant is rare in the general population with a frequency below the threshold expected for the associated phenotype(s). Given the available evidence, this variant is classified as Likely Pathogenic.

GeneDx
Classification: Pathogenic. Last evaluated: 2016-02-01. Review status: criteria provided, single submitter. Criteria: GeneDx Variant Classification (06012015). Collection method: clinical testing. Allele origin: germline. Affected: yes.
Comment: The c.4877_4880delGCTG pathogenic variant in the SACS gene has not been reported previously as a pathogenic variant nor as a benign variant, to our knowledge. The c.4877_4880delGCTG variant causes a frameshift starting with codon Glycine 1626, changes this amino acid to a Valine residue, and creates a premature Stop codon at position 5 of the new reading frame, denoted p.Gly1626ValfsX5. This variant causes the last 2954 amino acids to be replaced by 4 incorrect amino acids, which is predicted to cause loss of normal protein function through protein truncation. Protein truncating pathogenic variants downstream of this variant have been reported in the Human Gene Mutation Database in association with spastic ataxia, Charlevoix-Saguenay type (Stenson et al., 2014), supporting the pathogenicity of more upstream truncating variants. The c.4877_4880delGCTG variant was not observed in approximately 6500 individuals of European and African American ancestry in the NHLBI Exome Sequencing Project, indicating it is not a common benign variant in these populations. Therefore, we interpret c.4877_4880delGCTG as a pathogenic variant.

Counsyl
Classification: Likely pathogenic for Charlevoix-Saguenay spastic ataxia. Last evaluated: 2017-11-12. Review status: no assertion criteria provided. Collection method: clinical testing. Allele origin: unknown. Not counted in ClinVar's aggregate classification.